The following is an entry in ClinVar:

ClinVar aggregate classification (germline): Uncertain significance. Review status: criteria provided, multiple submitters, no conflicts (2 of 4 stars). 2 submissions from 2 submitters: Uncertain significance (2). Last evaluated 2025-09-09.

Allele frequency attached by ClinVar (database versions not stated): gnomAD 0.00001.
gnomAD v4.1: 7 of 1,608,390 alleles (0.00044%); highest among the groups gnomAD compares: South Asian, 0.0022%; no homozygotes.

Submissions (2):

Ambry Genetics
Classification: Uncertain significance. Last evaluated: 2025-09-09. Review status: criteria provided, single submitter. Criteria: Ambry Variant Classification Scheme 2023. Collection method: clinical testing. Allele origin: germline.

Labcorp Genetics (formerly Invitae), Labcorp
Classification: Uncertain significance. Last evaluated: 2023-05-18. Review status: criteria provided, single submitter. Criteria: Invitae Variant Classification Sherloc (09022015). Collection method: clinical testing. Allele origin: germline.
Comment: In summary, the available evidence is currently insufficient to determine the role of this variant in disease. Therefore, it has been classified as a Variant of Uncertain Significance. An algorithm developed to predict the effect of missense changes on protein structure and function (PolyPhen-2) suggests that this variant is likely to be disruptive. ClinVar contains an entry for this variant (Variation ID: 1521073). This variant has not been reported in the literature in individuals affected with DSCAML1-related conditions. This variant is present in population databases (no rsID available, gnomAD 0.004%). This sequence change replaces arginine, which is basic and polar, with cysteine, which is neutral and slightly polar, at codon 1673 of the DSCAML1 protein (p.Arg1673Cys).

NM_020693.4(DSCAML1):c.4837C>T (p.Arg1613Cys)

Gene: DSCAML1 (DS cell adhesion molecule like 1; minus strand). Cytogenetic location: 11q23.3.
Variant type: single nucleotide variant.
Coding change: c.4837C>T on transcript NM_020693.4 (MANE Select); coding-DNA position 4837, C replaced by T.
Protein change: p.Arg1613Cys; replaces arginine 1613 with cysteine.
Molecular consequence: missense variant.
Genome position (GRCh38, 1-based): chr11:117,435,683, G>A on the plus strand (C>T on the coding strand, the complement: DSCAML1 is on the minus strand). VCF-style: chr11-117435683-G-A. GRCh37 (hg19) VCF-style: chr11-117306399-G-A.
Other names: c.5017C>T (NM_020693.2); short protein forms R1613C.
Identifiers: ClinVar variation 1521073 (VCV001521073.7), dbSNP rs774593557, ClinGen allele CA382756827.